The following is an entry in ClinVar:

NM_015346.4(ZFYVE26):c.2040dup (p.Asp681Ter)

Gene: ZFYVE26 (zinc finger FYVE-type containing 26; minus strand). Cytogenetic location: 14q24.1.
Variant type: Duplication.
Coding change: c.2040dup on transcript NM_015346.4 (MANE Select); coding-DNA position 2040, one base duplicated (T; older notation c.2040dupT).
Protein change: p.Asp681Ter; replaces aspartic acid 681 with a stop codon.
Molecular consequence: nonsense.
Genome position (GRCh38, 1-based): chr14:67,798,222, A duplicated on the plus strand (T on the coding strand, the reverse complement: ZFYVE26 is on the minus strand). VCF-style (leftmost placement, unchanged base first): chr14-67798221-C-CA. GRCh37 (hg19) VCF-style: chr14-68264938-C-CA.
Other names: short protein forms D681*.
Identifiers: ClinVar variation 2075092 (VCV002075092.4), dbSNP rs2502856643, ClinGen allele CA2580088608.

ClinVar aggregate classification (germline): Pathogenic (1 of 4 stars; one submission).

Conditions:
Spastic paraplegia. Identifiers: MedGen C0037772, HP:0001258.

Submission:

Labcorp Genetics (formerly Invitae), Labcorp
Classification: Pathogenic for Spastic paraplegia. Last evaluated: 2022-01-05. Review status: criteria provided, single submitter. Criteria: Invitae Variant Classification Sherloc (09022015). Collection method: clinical testing. Allele origin: germline.
Comment: For these reasons, this variant has been classified as Pathogenic. This variant has not been reported in the literature in individuals affected with ZFYVE26-related conditions. This variant is not present in population databases (gnomAD no frequency). This sequence change creates a premature translational stop signal (p.Asp681*) in the ZFYVE26 gene. It is expected to result in an absent or disrupted protein product. Loss-of-function variants in ZFYVE26 are known to be pathogenic (PMID: 18394578, 19805727).

Literature cited by the submitters: PubMed 18394578; PubMed 19805727.